The following is an entry in ClinVar:

NM_001184.4(ATR):c.2408A>G (p.Lys803Arg)

Gene: ATR (ATR checkpoint kinase; minus strand). Cytogenetic location: 3q23.
Variant type: single nucleotide variant.
Coding change: c.2408A>G on transcript NM_001184.4 (MANE Select); coding-DNA position 2408, A replaced by G.
Protein change: p.Lys803Arg; replaces lysine 803 with arginine.
Molecular consequence: missense variant.
Genome position (GRCh38, 1-based): chr3:142,553,949, T>C on the plus strand (A>G on the coding strand, the complement: ATR is on the minus strand). VCF-style: chr3-142553949-T-C. GRCh37 (hg19) VCF-style: chr3-142272791-T-C.
Other names: c.2216A>G, p.Lys739Arg (NM_001354579.2); short protein forms K803R, K739R.
Identifiers: ClinVar variation 955685 (VCV000955685.9), dbSNP rs2034571374, ClinGen allele CA354816939.

ClinVar aggregate classification (germline): Uncertain significance (1 of 4 stars; one submission).

Submission:

Labcorp Genetics (formerly Invitae), Labcorp
Classification: Uncertain significance. Last evaluated: 2019-08-10. Review status: criteria provided, single submitter. Criteria: Invitae Variant Classification Sherloc (09022015). Collection method: clinical testing. Allele origin: germline.
Comment: In summary, the available evidence is currently insufficient to determine the role of this variant in disease. Therefore, it has been classified as a Variant of Uncertain Significance. Algorithms developed to predict the effect of missense changes on protein structure and function output the following: SIFT: "Tolerated"; PolyPhen-2: "Benign"; Align-GVGD: "Class C0". The arginine amino acid residue is found in multiple mammalian species, suggesting that this missense change does not adversely affect protein function. These predictions have not been confirmed by published functional studies and their clinical significance is uncertain. This sequence change replaces lysine with arginine at codon 803 of the ATR protein (p.Lys803Arg). The lysine residue is moderately conserved and there is a small physicochemical difference between lysine and arginine. This variant is not present in population databases (ExAC no frequency). This variant has not been reported in the literature in individuals with ATR-related conditions.